The following is an entry in ClinVar:

NM_017780.4(CHD7):c.7303G>T (p.Glu2435Ter)

Gene: CHD7 (chromodomain helicase DNA binding protein 7; plus strand). Cytogenetic location: 8q12.2.
Variant type: single nucleotide variant.
Coding change: c.7303G>T on transcript NM_017780.4 (MANE Select); coding-DNA position 7303, G replaced by T.
Protein change: p.Glu2435Ter; replaces glutamic acid 2435 with a stop codon.
Molecular consequence: nonsense. On other transcripts: intron variant (1).
Genome position (GRCh38, 1-based): chr8:60,856,583, G>T. VCF-style: chr8-60856583-G-T. GRCh37 (hg19) VCF-style: chr8-61769142-G-T.
Other names: c.1717-5646G>T (NM_001316690.1); short protein forms E2435*.
Identifiers: ClinVar variation 4885030 (VCV004885030.2).

ClinVar aggregate classification (germline): Likely pathogenic (1 of 4 stars; one submission).

Submission:

Dasa
Classification: Likely pathogenic. Last evaluated: 2024-11-14. Review status: criteria provided, single submitter. Criteria: DASA Assertion Criteria. Collection method: clinical testing. Allele origin: germline.
Comment: NM_017780.4(CHD7):c.7303G>T (p.Glu2435*) is a nonsense variant in CHD7 predicted to introduce a premature termination codon and is predicted to result in an absent or altered protein product. Loss of function is an established disease mechanism for CHD7 (PMID: 21158681; PMID: 16400610; PMID: 19248844). Also, this variant is absent from population databases. Based on the currently available evidence, this variant is classified as likely pathogenic.

Literature cited by the submitters: PubMed 21158681; PubMed 16400610; PubMed 19248844.